The following is an entry in ClinVar:

ClinVar aggregate classification (germline): Pathogenic/Likely pathogenic. Review status: criteria provided, multiple submitters, no conflicts (2 of 4 stars). 2 submissions from 2 submitters: Pathogenic (1); Likely pathogenic (1). Last evaluated 2016-06-28.

Conditions:
Arrhythmogenic right ventricular cardiomyopathy (ARVD). Also called: Arrhythmogenic right ventricular dysplasia; Arrhythmogenic cardiomyopathy; Arrhythmogenic Right Ventricular Cardiomyopathy (ARVC); Cardiomyopathy, ARVC. Identifiers: Orphanet 247, MedGen C0349788, MeSH D019571, MONDO:0016587. Disease mechanism: loss of function. Inheritance: Various modes of inheritance.

Submissions (2):

GeneDx
Classification: Pathogenic. Last evaluated: 2016-06-28. Review status: criteria provided, single submitter. Criteria: GeneDx Variant Classification (06012015). Collection method: clinical testing. Allele origin: germline. Affected: yes.
Comment: The c.1760delT pathogenic variant in the PKP2 gene has not been reported previously as a disease-causing mutation or as a benign polymorphism to our knowledge. However, a similar pathogenic variant, c.1759delG has been published in one individual with probable ARVC (Tan B et al., 2010). Both c.1760delT and c.1759delG are predicted to alter the protein's amino acid sequence beginning at residue 587, leading to a premature stop codon 69 amino acids downstream. These pathogenic variants are expected to result in either an abnormal, truncated protein product or loss of protein from this allele through nonsense-mediated mRNA decay. Additionally, c.1760delT was not observed in approximately 6,500 individuals of European and African American ancestry in the NHLBI Exome Sequencing Project, indicating it is not a common benign variant in these populations. The variant is found in PKP2 panel(s).

Laboratory for Molecular Medicine, Mass General Brigham Personalized Medicine
Classification: Likely pathogenic for Arrhythmogenic right ventricular cardiomyopathy. Last evaluated: 2010-12-14. Review status: criteria provided, single submitter. Criteria: LMM Criteria. Collection method: clinical testing. Allele origin: germline. Observed: 1 variant allele.

NM_001005242.3(PKP2):c.1628del (p.Val543fs)

Gene: PKP2 (plakophilin 2; minus strand). Cytogenetic location: 12p11.21.
Variant type: Deletion.
Coding change: c.1628del on transcript NM_001005242.3 (MANE Select); coding-DNA position 1628, one base deleted (T; older notation c.1628delT).
Protein change: p.Val543fs; shifts the reading frame from valine 543.
Molecular consequence: frameshift variant.
Genome position (GRCh38, 1-based): chr12:32,824,091, A deleted on the plus strand (T on the coding strand, the reverse complement: PKP2 is on the minus strand). VCF-style (leftmost placement, unchanged base first): chr12-32824090-GA-G. GRCh37 (hg19) VCF-style: chr12-32977024-GA-G.
Other names: c.1760delT (NM_004572.3); c.1760del, p.Val587fs (NM_004572.4); short protein forms V543fs, V587fs.
Identifiers: ClinVar variation 45046 (VCV000045046.5), dbSNP rs397517009, ClinGen allele CA011392.
Genomic context (GRCh38, chr12:32,824,090, plus strand): 5'-TATCTCTTGAATTACCTTGTCATCTGGCTGGTAATCTGCAATGGTTCCTCTGACATAATG[GA>G]CCAGTGAGTCAATGAGTCCGTCACATCTTCTCATCGCTTTTCTCCCATCAGCGCCAGCAG-3'